The following is an entry in ClinVar:

ClinVar aggregate classification (germline): Uncertain significance (1 of 4 stars; one submission).

Conditions:
Coffin-Siris syndrome 6. Identifiers: MedGen C4540499, MONDO:0033492, OMIM 617808.

Submission:

Pittsburgh Clinical Genomics Laboratory, University of Pittsburgh Medical Center
Classification: Uncertain significance for Coffin-Siris syndrome 6. Last evaluated: 2023-05-05. Review status: criteria provided, single submitter. Criteria: ACMG Guidelines, 2015. Collection method: clinical testing. Allele origin: germline. Inheritance: Autosomal dominant inheritance. Affected: yes.
Comment: This sequence variant is a single nucleotide duplication (dupT) at coding position 1688 of the GIGYF1 gene that generates an early termition codon at Tyr563 in the GYGYF1 protein. This variant is expected to result in a loss of function allele through either expression of a truncated protein or loss of GYGF1 expression due to nonsense mediated decay. This is a novel variant that has not been previously reported in individuals with neurodevelopmental disorders nor in databases of clinically relevant variants. This variant is absent from the gnomAD population database. Functiol studies testing the effect of this variant have not been performed, to our knowledge. While termiting GIGYF1 variants have been previously observed in individuals with autism spectrum disorders (PMID: 35917186), the association of this gene with disease is not well established at this time. Therefore, we consider this to be a variant of uncertain significance. ACMG Criteria: PM2, PVS1

Literature cited by the submitters: PubMed 35917186.

NM_001375765.1(GIGYF1):c.1688dup (p.Tyr563Ter)

Gene: GIGYF1 (GRB10 interacting GYF protein 1; minus strand). Cytogenetic location: 7q22.1.
Variant type: Duplication.
Coding change: c.1688dup on transcript NM_001375765.1 (MANE Select); coding-DNA position 1688, one base duplicated (A; older notation c.1688dupA).
Protein change: p.Tyr563Ter; replaces tyrosine 563 with a stop codon.
Molecular consequence: nonsense. On other transcripts: non-coding transcript variant (1).
Genome position (GRCh38, 1-based): chr7:100,684,279, T duplicated on the plus strand (A on the coding strand, the reverse complement: GIGYF1 is on the minus strand). VCF-style (leftmost placement, unchanged base first): chr7-100684278-G-GT. GRCh37 (hg19) VCF-style: chr7-100281901-G-GT.
Other names: NM_022574.5:c.1688dup; c.1688dup, p.Tyr563Ter (NM_001375759.1, NM_001375760.1, NM_001375761.1 and 6 more transcripts); short protein forms Y563*.
Identifiers: ClinVar variation 3376297 (VCV003376297.1).